The following is an entry in ClinVar:

ClinVar aggregate classification (germline): Uncertain significance. Review status: criteria provided, multiple submitters, no conflicts (2 of 4 stars). 3 submissions from 3 submitters: Uncertain significance (3). Last evaluated 2025-08-12.

Conditions:
Inborn genetic diseases. Identifiers: MedGen C0950123, MeSH D030342.
Leukodystrophy, hypomyelinating, 8, with or without oligodontia and/or hypogonadotropic hypogonadism. Also called: LEUKODYSTROPHY, HYPOMYELINATING, 8, WITH HYPODONTIA AND HYPOGONADOTROPIC HYPOGONADISM; Hypomyelinating leukodystrophy 8 with or without oligodontia and-or hypogonadotropic hypogonadism; Endosteal sclerosis-cerebellar hypoplasia syndrome. Identifiers: Orphanet 85186, Orphanet 88637, MedGen C3280644, MONDO:0013722, OMIM 614381.

Allele frequency attached by ClinVar (database versions not stated): TOPMed 0.00002; gnomAD exomes 0.00002; gnomAD 0.00001; ExAC 0.00002.
gnomAD v4.1: 82 of 1,614,022 alleles (0.0051%); highest among the groups gnomAD compares: Non-Finnish European, 0.0067%; no homozygotes.

Submissions (3):

Ambry Genetics
Classification: Uncertain significance for Inborn genetic diseases. Last evaluated: 2025-08-12. Review status: criteria provided, single submitter. Criteria: Ambry Variant Classification Scheme 2023. Collection method: clinical testing. Allele origin: germline.

Labcorp Genetics (formerly Invitae), Labcorp
Classification: Uncertain significance. Last evaluated: 2025-04-11. Review status: criteria provided, single submitter. Criteria: Invitae Variant Classification Sherloc (09022015). Collection method: clinical testing. Allele origin: germline.
Comment: This sequence change replaces alanine, which is neutral and non-polar, with valine, which is neutral and non-polar, at codon 948 of the POLR3B protein (p.Ala948Val). This variant is present in population databases (rs779604405, gnomAD 0.005%). This variant has not been reported in the literature in individuals affected with POLR3B-related conditions. ClinVar contains an entry for this variant (Variation ID: 306946). Invitae Evidence Modeling of protein sequence and biophysical properties (such as structural, functional, and spatial information, amino acid conservation, physicochemical variation, residue mobility, and thermodynamic stability) indicates that this missense variant is not expected to disrupt POLR3B protein function with a negative predictive value of 80%. In summary, the available evidence is currently insufficient to determine the role of this variant in disease. Therefore, it has been classified as a Variant of Uncertain Significance.

Illumina Laboratory Services, Illumina
Classification: Uncertain significance for Leukodystrophy, hypomyelinating, 8, with or without oligodontia and/or hypogonadotropic hypogonadism. Last evaluated: 2018-01-13. Review status: criteria provided, single submitter. Criteria: ICSL Variant Classification Criteria 13 December 2019. Collection method: clinical testing. Allele origin: germline.

NM_018082.6(POLR3B):c.2843C>T (p.Ala948Val)

Genes: POLR3B (RNA polymerase III subunit B; plus strand), RFX4-AS1 (RFX4 antisense RNA 1; minus strand). Cytogenetic location: 12q23.3.
Variant type: single nucleotide variant.
Coding change: c.2843C>T on transcript NM_018082.6 (MANE Select); coding-DNA position 2843, C replaced by T.
Protein change: p.Ala948Val; replaces alanine 948 with valine.
Molecular consequence: missense variant.
Genome position (GRCh38, 1-based): chr12:106,496,777, C>T. VCF-style: chr12-106496777-C-T. GRCh37 (hg19) VCF-style: chr12-106890555-C-T.
Other names: c.2669C>T, p.Ala890Val (NM_001160708.2); short protein forms A948V, A890V.
Identifiers: ClinVar variation 306946 (VCV000306946.8), dbSNP rs779604405, ClinGen allele CA6762318.